The following is an entry in ClinVar:

NM_000132.4(F8):c.6300T>G (p.Ile2100Met)

Gene: F8 (coagulation factor VIII; minus strand). Cytogenetic location: Xq28.
Variant type: single nucleotide variant.
Coding change: c.6300T>G on transcript NM_000132.4 (MANE Select); coding-DNA position 6300, T replaced by G.
Protein change: p.Ile2100Met; replaces isoleucine 2100 with methionine.
Molecular consequence: missense variant.
Genome position (GRCh38, 1-based): chrX:154,896,206, A>C on the plus strand (T>G on the coding strand, the complement: F8 is on the minus strand). VCF-style: chrX-154896206-A-C. GRCh37 (hg19) VCF-style: chrX-154124481-A-C.
Other names: short protein forms I2100M.
Identifiers: ClinVar variation 3902709 (VCV003902709.1).

ClinVar aggregate classification (germline): Uncertain significance (1 of 4 stars; one submission).

Submission:

Women's Health and Genetics/Laboratory Corporation of America, LabCorp
Classification: Uncertain significance. Last evaluated: 2025-05-26. Review status: criteria provided, single submitter. Criteria: LabCorp Variant Classification Summary - May 2015. Collection method: clinical testing. Allele origin: germline.
Comment: Variant summary: F8 c.6300T>G (p.Ile2100Met) results in a conservative amino acid change in the encoded protein sequence. Algorithms developed to predict the effect of missense changes on protein structure and function are either unavailable or do not agree on the potential impact of this missense change. The variant allele was found at a frequency of 5.5e-06 in 183269 control chromosomes. The available data on variant occurrences in the general population are insufficient to allow any conclusion about variant significance. To our knowledge, no occurrence of c.6300T>G in individuals affected with Factor VIII Deficiency (Hemophilia A) and no experimental evidence demonstrating its impact on protein function have been reported. No submitters have cited clinical-significance assessments for this variant to ClinVar. Based on the evidence outlined above, the variant was classified as uncertain significance.